The following is an entry in ClinVar:

ClinVar aggregate classification (germline): Uncertain significance (1 of 4 stars; one submission).

Conditions:
Inborn genetic diseases. Identifiers: MedGen C0950123, MeSH D030342.

Submission:

Ambry Genetics
Classification: Uncertain significance for Inborn genetic diseases. Last evaluated: 2025-02-21. Review status: criteria provided, single submitter. Criteria: Ambry Variant Classification Scheme 2023. Collection method: clinical testing. Allele origin: germline.
Comment: The p.R264K variant (also known as c.791G>A), located in coding exon 7 of the FANCG gene, results from a G to A substitution at nucleotide position 791. The arginine at codon 264 is replaced by lysine, an amino acid with highly similar properties. This amino acid position is conserved. In addition, this alteration is predicted to be tolerated by in silico analysis. Based on the available evidence, the clinical significance of this variant remains unclear.

NM_004629.2(FANCG):c.791G>A (p.Arg264Lys)

Gene: FANCG (FA complementation group G; minus strand). Cytogenetic location: 9p13.3.
Variant type: single nucleotide variant.
Coding change: c.791G>A on transcript NM_004629.2 (MANE Select); coding-DNA position 791, G replaced by A.
Protein change: p.Arg264Lys; replaces arginine 264 with lysine.
Molecular consequence: missense variant.
Genome position (GRCh38, 1-based): chr9:35,076,857, C>T on the plus strand (G>A on the coding strand, the complement: FANCG is on the minus strand). VCF-style: chr9-35076857-C-T. GRCh37 (hg19) VCF-style: chr9-35076854-C-T.
Other names: short protein forms R264K.
Identifiers: ClinVar variation 3848450 (VCV003848450.1).
Genomic context (GRCh38, chr9:35,076,857, plus strand): 5'-AGAAGTGGAGGACCCCAGGCTGATCCCTCTTTCAGGGCTGCAACCAAGTACAACAGTGCT[C>T]TCTGTGGATTTCCCTAAAGGGATAGGAGGACACGGGCCTCAGCTACCCTTACAAAGCAAA-3'
Protein context (NP_004620.1, residues 254-274): SCHRKMGNPQ[Arg264Lys]ALLYLVAALK